The following is an entry in ClinVar:

ClinVar aggregate classification (germline): Uncertain significance (1 of 4 stars; one submission).

Conditions:
Hereditary cancer-predisposing syndrome. Also called: Hereditary Cancer Syndrome; Hereditary neoplastic syndrome; Tumor predisposition; Neoplastic Syndromes, Hereditary. Identifiers: Orphanet 140162, MedGen C0027672, MeSH D009386, MONDO:0015356.

Submission:

Ambry Genetics
Classification: Uncertain significance for Hereditary cancer-predisposing syndrome. Last evaluated: 2022-05-09. Review status: criteria provided, single submitter. Criteria: Ambry Variant Classification Scheme 2023. Collection method: clinical testing. Allele origin: germline.
Comment: The p.G840V variant (also known as c.2519G>T), located in coding exon 17 of the BRIP1 gene, results from a G to T substitution at nucleotide position 2519. The glycine at codon 840 is replaced by valine, an amino acid with dissimilar properties. This amino acid position is conserved. In addition, this alteration is predicted to be deleterious by in silico analysis. Since supporting evidence is limited at this time, the clinical significance of this alteration remains unclear.

NM_032043.3(BRIP1):c.2519G>T (p.Gly840Val)

Gene: BRIP1 (BRCA1 interacting DNA helicase 1; minus strand). Cytogenetic location: 17q23.2.
Variant type: single nucleotide variant.
Coding change: c.2519G>T on transcript NM_032043.3 (MANE Select); coding-DNA position 2519, G replaced by T.
Protein change: p.Gly840Val; replaces glycine 840 with valine.
Molecular consequence: missense variant.
Genome position (GRCh38, 1-based): chr17:61,693,486, C>A on the plus strand (G>T on the coding strand, the complement: BRIP1 is on the minus strand). VCF-style: chr17-61693486-C-A. GRCh37 (hg19) VCF-style: chr17-59770847-C-A.
Other names: short protein forms G840V.
Identifiers: ClinVar variation 1792499 (VCV001792499.2), dbSNP rs2144187127, ClinGen allele CA400482447.
Genomic context (GRCh38, chr17:61,693,486, plus strand): 5'-TTACCAGATATATAGCGACTTGGGTTATTCCTAAAGCGATCATCCACTAGAATAAGAGCT[C>A]CCCAATCATTTCTGTGTCTAATACATCTAGAAAAAATAGGGAAAAAGTCAAATAATTATA-3'
Protein context (NP_114432.2, residues 830-850): GRCIRHRNDW[Gly840Val]ALILVDDRFR